The following is an entry in ClinVar:

NM_015909.4(NBAS):c.12C>T (p.Pro4=)

Genes: NBAS (NBAS subunit of NRZ tethering complex; minus strand), LOC129933155 (ATAC-STARR-seq lymphoblastoid active region 15346; plus strand). Cytogenetic location: 2p24.3.
Variant type: single nucleotide variant.
Coding change: c.12C>T on transcript NM_015909.4 (MANE Select); coding-DNA position 12, C replaced by T.
Protein change: p.Pro4=; no amino-acid change (proline 4 retained).
Molecular consequence: synonymous variant. On other transcripts: non-coding transcript variant (1).
Genome position (GRCh38, 1-based): chr2:15,561,293, G>A on the plus strand (C>T on the coding strand, the complement: NBAS is on the minus strand). VCF-style: chr2-15561293-G-A. GRCh37 (hg19) VCF-style: chr2-15701417-G-A.
Other names: c.12C>T (NM_015909.3).
Identifiers: ClinVar variation 1590266 (VCV001590266.10), dbSNP rs369178214, ClinGen allele CA42663427.

ClinVar aggregate classification (germline): Likely benign. Review status: criteria provided, single submitter (1 of 4 stars). 2 submissions from 2 submitters: Likely benign (1). 1 of the submissions does not count toward it. Last evaluated 2025-11-22.

Conditions:
NBAS-related disorder. Also called: NBAS-related condition.

Allele frequency attached by ClinVar (database versions not stated): gnomAD 0.00003 and 0.00004; ESP Exome Variant Server 0.00008.
gnomAD v4.1: 13 of 1,612,854 alleles (0.00081%); highest among the groups gnomAD compares: Non-Finnish European, 0.001%; no homozygotes.

Submissions (2):

Labcorp Genetics (formerly Invitae), Labcorp
Classification: Likely benign. Last evaluated: 2025-11-22. Review status: criteria provided, single submitter. Criteria: Invitae Variant Classification Sherloc (09022015). Collection method: clinical testing. Allele origin: germline.

PreventionGenetics, part of Exact Sciences
Classification: Likely benign for NBAS-related condition. Last evaluated: 2020-02-17. Review status: no assertion criteria provided. Collection method: clinical testing. Allele origin: germline. Not counted in ClinVar's aggregate classification.
Comment: This variant is classified as likely benign based on ACMG/AMP sequence variant interpretation guidelines (Richards et al. 2015 PMID: 25741868, with internal and published modifications).